The following is an entry in ClinVar:

NM_004612.4(TGFBR1):c.24del (p.Arg9fs)

Genes: TGFBR1 (transforming growth factor beta receptor 1; plus strand), LOC130002223 (ATAC-STARR-seq lymphoblastoid silent region 20124; plus strand). Cytogenetic location: 9q22.33.
Variant type: Deletion.
Coding change: c.24del on transcript NM_004612.4 (MANE Select); coding-DNA position 24, one base deleted (G; older notation c.24delG).
Protein change: p.Arg9fs; shifts the reading frame from arginine 9.
Molecular consequence: frameshift variant.
Genome position (GRCh38, 1-based): chr9:99,105,229, G deleted. VCF-style (leftmost placement, unchanged base first): chr9-99105228-CG-C. GRCh37 (hg19) VCF-style: chr9-101867510-CG-C.
Other names: c.24del, p.Arg9fs (NM_001130916.3, NM_001306210.2); short protein forms R9fs.
Identifiers: ClinVar variation 403529 (VCV000403529.4), dbSNP rs1060499907, ClinGen allele CA16609743.

ClinVar aggregate classification (germline): Uncertain significance (1 of 4 stars; one submission).

Submission:

Laboratory for Molecular Medicine, Mass General Brigham Personalized Medicine
Classification: Uncertain significance. Last evaluated: 2016-06-16. Review status: criteria provided, single submitter. Criteria: LMM Criteria. Collection method: clinical testing. Allele origin: germline.
Comment: Variant identified in a genome or exome case(s) and assessed due to predicted null impact of the variant or pathogenic assertions in the literature or databases. Disclaimer: This variant has not undergone full assessment. The following are preliminary notes: Probable FP. Also, LOF variants in this gene are associated with multiple self-healing squamous epithelioma, not Marfan/LD